The following is an entry in ClinVar:

NM_000166.6(GJB1):c.204C>A (p.Phe68Leu)

Gene: GJB1 (gap junction protein beta 1; plus strand). Cytogenetic location: Xq13.1.
Variant type: single nucleotide variant.
Coding change: c.204C>A on transcript NM_000166.6 (MANE Select); coding-DNA position 204, C replaced by A.
Protein change: p.Phe68Leu; replaces phenylalanine 68 with leucine.
Molecular consequence: missense variant.
Genome position (GRCh38, 1-based): chrX:71,223,911, C>A. VCF-style: chrX-71223911-C-A. GRCh37 (hg19) VCF-style: chrX-70443761-C-A.
Other names: c.204C>A, p.Phe68Leu (NM_001097642.3); short protein forms F68L.
Identifiers: ClinVar variation 3721201 (VCV003721201.2).

ClinVar aggregate classification (germline): Uncertain significance (1 of 4 stars; one submission).

Conditions:
Charcot-Marie-Tooth Neuropathy X. Identifiers: MedGen CN118851.

Submission:

Labcorp Genetics (formerly Invitae), Labcorp
Classification: Uncertain significance for Charcot-Marie-Tooth Neuropathy X. Last evaluated: 2024-10-16. Review status: criteria provided, single submitter. Criteria: Invitae Variant Classification Sherloc (09022015). Collection method: clinical testing. Allele origin: germline.
Comment: This sequence change replaces phenylalanine, which is neutral and non-polar, with leucine, which is neutral and non-polar, at codon 68 of the GJB1 protein (p.Phe68Leu). This variant is not present in population databases (gnomAD no frequency). This variant has not been reported in the literature in individuals affected with GJB1-related conditions. Invitae Evidence Modeling of protein sequence and biophysical properties (such as structural, functional, and spatial information, amino acid conservation, physicochemical variation, residue mobility, and thermodynamic stability) has been performed for this missense variant. However, the output from this modeling did not meet the statistical confidence thresholds required to predict the impact of this variant on GJB1 protein function. In summary, the available evidence is currently insufficient to determine the role of this variant in disease. Therefore, it has been classified as a Variant of Uncertain Significance.